The following is an entry in ClinVar:

NM_005733.3(KIF20A):c.514+5G>A

Gene: KIF20A (kinesin family member 20A; plus strand). Cytogenetic location: 5q31.2.
Variant type: single nucleotide variant.
Coding change: c.514+5G>A on transcript NM_005733.3 (MANE Select); 5 bases into the intron after coding-DNA position 514, G replaced by A.
Molecular consequence: intron variant.
Genome position (GRCh38, 1-based): chr5:138,182,466, G>A. VCF-style: chr5-138182466-G-A. GRCh37 (hg19) VCF-style: chr5-137518155-G-A.
Identifiers: ClinVar variation 2741751 (VCV002741751.3), dbSNP rs1306807021, ClinGen allele CA563267855.
Genomic context (GRCh38, chr5:138,182,466, plus strand): 5'-CTGGCTCATCTATACATATGGAGTCACTAACTCAGGGAAAACCCACACGATTCAAGGTGA[G>A]TAGTAAGCCTTCACGGGATTCCTGATTGGCTGGTAATGGTGTTGTTTTTACCTTTTGAGA-3'

ClinVar aggregate classification (germline): Uncertain significance (1 of 4 stars; one submission).

Allele frequency attached by ClinVar (database versions not stated): gnomAD exomes below 0.00001.
gnomAD v4.1: 1 of 1,613,870 alleles (0.000062%); highest among the groups gnomAD compares: South Asian, 0.0011%; no homozygotes.

Submission:

Labcorp Genetics (formerly Invitae), Labcorp
Classification: Uncertain significance. Last evaluated: 2023-07-18. Review status: criteria provided, single submitter. Criteria: Invitae Variant Classification Sherloc (09022015). Collection method: clinical testing. Allele origin: germline.
Comment: In summary, the available evidence is currently insufficient to determine the role of this variant in disease. Therefore, it has been classified as a Variant of Uncertain Significance. Variants that disrupt the consensus splice site are a relatively common cause of aberrant splicing (PMID: 17576681, 9536098). Algorithms developed to predict the effect of sequence changes on RNA splicing suggest that this variant may create or strengthen a splice site. This variant has not been reported in the literature in individuals affected with KIF20A-related conditions. This variant is present in population databases (no rsID available, gnomAD 0.003%). This sequence change falls in intron 5 of the KIF20A gene. It does not directly change the encoded amino acid sequence of the KIF20A protein. It affects a nucleotide within the consensus splice site.

Literature cited by the submitters: PubMed 17576681; PubMed 9536098.